The following is an entry in ClinVar:

ClinVar aggregate classification (germline): Likely benign. Review status: criteria provided, multiple submitters, no conflicts (2 of 4 stars). 2 submissions from 2 submitters: Likely benign (2). Last evaluated 2024-11-14.

Conditions:
KIF11-related disorder. Also called: KIF11-related condition.

Allele frequency attached by ClinVar (database versions not stated): TOPMed below 0.00001; gnomAD exomes 0.00001.
gnomAD v4.1: 3 of 1,597,414 alleles (0.00019%); highest among the groups gnomAD compares: Non-Finnish European, 0.00026%; no homozygotes.

Submissions (2):

PreventionGenetics, part of Exact Sciences
Classification: Likely benign for KIF11-related condition. Last evaluated: 2024-11-14. Review status: criteria provided, single submitter. Criteria: ACMG Guidelines, 2015. Collection method: clinical testing. Allele origin: germline.
Comment: This variant is classified as likely benign based on ACMG/AMP sequence variant interpretation guidelines (Richards et al. 2015 PMID: 25741868, with internal and published modifications).

Labcorp Genetics (formerly Invitae), Labcorp
Classification: Likely benign. Last evaluated: 2022-03-03. Review status: criteria provided, single submitter. Criteria: Invitae Variant Classification Sherloc (09022015). Collection method: clinical testing. Allele origin: germline.

NM_004523.4(KIF11):c.1833A>G (p.Gln611=)

Gene: KIF11 (kinesin family member 11; plus strand). Cytogenetic location: 10q23.33.
Variant type: single nucleotide variant.
Coding change: c.1833A>G on transcript NM_004523.4 (MANE Select); coding-DNA position 1833, A replaced by G.
Protein change: p.Gln611=; no amino-acid change (glutamine 611 retained).
Molecular consequence: synonymous variant.
Genome position (GRCh38, 1-based): chr10:92,633,753, A>G. VCF-style: chr10-92633753-A-G. GRCh37 (hg19) VCF-style: chr10-94393510-A-G.
Other names: c.1833A>G (NM_004523.3).
Identifiers: ClinVar variation 1124713 (VCV001124713.10), dbSNP rs1844763767, ClinGen allele CA470784566.
Genomic context (GRCh38, chr10:92,633,753, plus strand): 5'-TATTCCAGAAAATGTGTCTACTCATGTTTCTCAGATTTTTAATATGATACTAAAAGAACA[A>G]TCATTAGCAGCAGAAAGTAAAACTGTACTACAGGAATTGATTGTTAGTACATCCTTTAAA-3'
Protein context (NP_004514.2, residues 601-621): SQIFNMILKE[Gln611=]SLAAESKTVL